The following is an entry in ClinVar:

ClinVar aggregate classification (germline): Uncertain significance (1 of 4 stars; one submission).

Submission:

Labcorp Genetics (formerly Invitae), Labcorp
Classification: Uncertain significance. Last evaluated: 2025-08-02. Review status: criteria provided, single submitter. Criteria: Invitae Variant Classification Sherloc (09022015). Collection method: clinical testing. Allele origin: germline.
Comment: This sequence change replaces proline, which is neutral and non-polar, with leucine, which is neutral and non-polar, at codon 4 of the NSRP1 protein (p.Pro4Leu). This variant is not present in population databases (gnomAD no frequency). This variant has not been reported in the literature in individuals affected with NSRP1-related conditions. An algorithm developed to predict the effect of missense changes on protein structure and function (PolyPhen-2) suggests that this variant is likely to be tolerated. In summary, the available evidence is currently insufficient to determine the role of this variant in disease. Therefore, it has been classified as a Variant of Uncertain Significance.

NM_032141.4(NSRP1):c.11C>T (p.Pro4Leu)

Genes: NSRP1 (nuclear speckle splicing regulatory protein 1; plus strand), LOC126862529 (BRD4-independent group 4 enhancer GRCh37_chr17:28443345-28444544; plus strand). Cytogenetic location: 17q11.2.
Variant type: single nucleotide variant.
Coding change: c.11C>T on transcript NM_032141.4 (MANE Select); coding-DNA position 11, C replaced by T.
Protein change: p.Pro4Leu; replaces proline 4 with leucine.
Molecular consequence: missense variant. On other transcripts: 5 prime UTR variant (1).
Genome position (GRCh38, 1-based): chr17:30,116,854, C>T. VCF-style: chr17-30116854-C-T. GRCh37 (hg19) VCF-style: chr17-28443872-C-T.
Other names: c.-58C>T (NM_001261467.2); short protein forms P4L.
Identifiers: ClinVar variation 4724624 (VCV004724624.1).